The following is an entry in ClinVar:

ClinVar aggregate classification (germline): Uncertain significance (1 of 4 stars; one submission).

Submission:

Women's Health and Genetics/Laboratory Corporation of America, LabCorp
Classification: Uncertain significance. Last evaluated: 2024-04-24. Review status: criteria provided, single submitter. Criteria: LabCorp Variant Classification Summary - May 2015. Collection method: clinical testing. Allele origin: germline.
Comment: Variant summary: CD3E c.*99_*102dupATCG is located in the untranslated mRNA region downstream of the termination codon. The variant was absent in 31326 control chromosomes (gnomAD). The available data on variant occurrences in the general population are insufficient to allow any conclusion about variant significance. To our knowledge, no occurrence of c.*99_*102dupATCG in individuals affected with Severe Combined Immunodeficiency and no experimental evidence demonstrating its impact on protein function have been reported. No submitters have cited clinical-significance assessments for this variant to ClinVar. Based on the evidence outlined above, the variant was classified as uncertain significance.

NM_000733.4(CD3E):c.*99_*102dup

Gene: CD3E (CD3 epsilon subunit of T-cell receptor complex; plus strand). Cytogenetic location: 11q23.3.
Variant type: Duplication.
Coding change: c.*99_*102dup on transcript NM_000733.4 (MANE Select); 99 bases downstream of the stop codon through 102 bases downstream of the stop codon, 4 bases duplicated (ATCG; older notation c.*99_*102dupATCG).
Molecular consequence: 3 prime UTR variant.
Genome position (GRCh38, 1-based): chr11:118,315,641-118,315,644, ATCG duplicated. VCF-style (leftmost placement, unchanged base first): chr11-118315640-A-AATCG. GRCh37 (hg19) VCF-style: chr11-118186355-A-AATCG.
Other names: c.*99_*102dupATCG (NM_000733.4).
Identifiers: ClinVar variation 3251734 (VCV003251734.1), dbSNP rs2496841602.